The following is an entry in ClinVar:

NM_000179.3(MSH6):c.3956_3961dup (p.Ala1320_Arg1321insLysAla)

Gene: MSH6 (mutS homolog 6; plus strand). Cytogenetic location: 2p16.3.
Variant type: Duplication.
Coding change: c.3956_3961dup on transcript NM_000179.3 (MANE Select); coding-DNA positions 3956 to 3961, 6 bases duplicated (AAGCAA; older notation c.3956_3961dupAAGCAA).
Protein change: p.Ala1320_Arg1321insLysAla.
Molecular consequence: inframe insertion. On other transcripts: inframe indel (38).
Genome position (GRCh38, 1-based): chr2:47,806,606-47,806,611, AAGCAA duplicated; duplicating any 6 consecutive bases within chr2:47,806,604-47,806,611 gives the same sequence; the c. name uses the placement nearest the transcript's 3' end. VCF-style (leftmost placement, unchanged base first): chr2-47806603-G-GAAAAGC. GRCh37 (hg19) VCF-style: chr2-48033742-G-GAAAAGC.
Other names: c.3566_3571dup, p.Ala1190_Arg1191insLysAla (NM_001281492.2); c.3050_3055dup, p.Ala1018_Arg1019insLysAla (NM_001281493.2, NM_001281494.2, NM_001406811.1 and 6 more transcripts); c.4052_4057dup, p.Ala1352_Arg1353insLysAla (NM_001406795.1); c.3956_3961dup, p.Ala1320_Arg1321insLysAla (NM_001406796.1, NM_001406808.1, NM_001406809.1); c.3659_3664dup, p.Ala1221_Arg1222insLysAla (NM_001406797.1, NM_001406801.1, NM_001406805.1 and 10 more transcripts); c.3782_3787dup, p.Ala1262_Arg1263insLysAla (NM_001406798.1); c.3431_3436dup, p.Ala1145_Arg1146insLysAla (NM_001406799.1, NM_001406806.1, NM_001406807.1); c.3943_3948dup, p.Gln1316_Glu1317insLysGln (NM_001406800.1); and 9 more.
Identifiers: ClinVar variation 1736470 (VCV001736470.2), dbSNP rs2530874750, ClinGen allele CA2580067503.
Genomic context (GRCh38, chr2:47,806,603, plus strand): 5'-ATGGCTTTAATGCAGCAAGGCTTGCTAATCTCCCAGAGGAAGTTATTCAAAAGGGACATA[G>GAAAAGC]AAAAGCAAGAGAATTTGAGAAGATGAATCAGTCACTACGATTATTTCGGTAACTAACTAA-3'

ClinVar aggregate classification (germline): Uncertain significance (1 of 4 stars; one submission).

Conditions:
Hereditary cancer-predisposing syndrome. Also called: Neoplastic Syndromes, Hereditary; Tumor predisposition; Hereditary Cancer Syndrome; Hereditary neoplastic syndrome. Identifiers: Orphanet 140162, MedGen C0027672, MeSH D009386, MONDO:0015356.

Submission:

Ambry Genetics
Classification: Uncertain significance for Hereditary cancer-predisposing syndrome. Last evaluated: 2020-07-21. Review status: criteria provided, single submitter. Criteria: Ambry Variant Classification Scheme 2023. Collection method: clinical testing. Allele origin: germline.
Comment: The c.3956_3961dupAAGCAA variant (also known as p.K1319_A1320dup), located in coding exon 9 of the MSH6 gene, results from an in-frame duplication of AAGCAA at nucleotide positions 3956 to 3961. This results in the duplication of 2 extra residues (KA) between codons 1319 and 1320. These amino acid positions are highly conserved in available vertebrate species. In addition, this alteration is predicted to be deleterious by in silico analysis (Choi Y et al. PLoS ONE. 2012; 7(10):e46688). Since supporting evidence is limited at this time, the clinical significance of this alteration remains unclear.